The following is an entry in ClinVar:

NM_001127222.2(CACNA1A):c.3873G>A (p.Met1291Ile)

Gene: CACNA1A (calcium voltage-gated channel subunit alpha1 A; minus strand). Cytogenetic location: 19p13.13.
Variant type: single nucleotide variant.
Coding change: c.3873G>A on transcript NM_001127222.2 (MANE Select); coding-DNA position 3873, G replaced by A.
Protein change: p.Met1291Ile; replaces methionine 1291 with isoleucine.
Molecular consequence: missense variant.
Genome position (GRCh38, 1-based): chr19:13,277,078, C>T on the plus strand (G>A on the coding strand, the complement: CACNA1A is on the minus strand). VCF-style: chr19-13277078-C-T. GRCh37 (hg19) VCF-style: chr19-13387892-C-T.
Other names: c.3885G>A, p.Met1295Ile (NM_000068.4, NM_023035.3); c.3876G>A, p.Met1292Ile (NM_001127221.2, NM_001174080.2); short protein forms M1291I, M1292I, M1295I.
Identifiers: ClinVar variation 1060629 (VCV001060629.9), dbSNP rs2144839595, ClinGen allele CA404340399.
Genomic context (GRCh38, chr19:13,277,078, plus strand): 5'-TTGCTTAAAAAAAAAAATTACCGTGTGTTCTCACTTATAATCTGCACTCACCTTGATCAC[C>T]ATCTCAAAGGTAAAGACGCCTGTAAAAACGTAGTCAAAGTATCGCAGCACCTGTAAGGGA-3'
Protein context (NP_001120694.1, residues 1281-1301): YVFTGVFTFE[Met1291Ile]VIKMIDLGLV

ClinVar aggregate classification (germline): Uncertain significance (1 of 4 stars; one submission).

Conditions:
Developmental and epileptic encephalopathy, 42 (DEE42A). Also called: DEVELOPMENTAL AND EPILEPTIC ENCEPHALOPATHY 42A; EPILEPTIC ENCEPHALOPATHY, EARLY INFANTILE, 42A; Epileptic encephalopathy, early infantile, 42. Identifiers: MedGen C4310716, MONDO:0014917, OMIM 617106.
Episodic ataxia type 2 (EA2). Also called: EPISODIC ATAXIA, NYSTAGMUS-ASSOCIATED; ACETAZOLAMIDE-RESPONSIVE HEREDITARY PAROXYSMAL CEREBELLAR ATAXIA; ATAXIA, EPISODIC, WITH NYSTAGMUS; ATAXIA, FAMILIAL PAROXYSMAL; CEREBELLAR ATAXIA, PAROXYSMAL, ACETAZOLAMIDE-RESPONSIVE; CEREBELLOPATHY, HEREDITARY PAROXYSMAL. Identifiers: Orphanet 97, MedGen C1720416, MONDO:0007163, OMIM 108500.

Submission:

Labcorp Genetics (formerly Invitae), Labcorp
Classification: Uncertain significance for Developmental and epileptic encephalopathy, 42; Episodic ataxia type 2. Last evaluated: 2020-06-18. Review status: criteria provided, single submitter. Criteria: Invitae Variant Classification Sherloc (09022015). Collection method: clinical testing. Allele origin: germline.
Comment: This variant is not present in population databases (ExAC no frequency). This sequence change replaces methionine with isoleucine at codon 1292 of the CACNA1A protein (p.Met1292Ile). The methionine residue is highly conserved and there is a small physicochemical difference between methionine and isoleucine. This variant has not been reported in the literature in individuals with CACNA1A-related conditions. In summary, the available evidence is currently insufficient to determine the role of this variant in disease. Therefore, it has been classified as a Variant of Uncertain Significance. Algorithms developed to predict the effect of sequence changes on RNA splicing suggest that this variant may create or strengthen a splice site, but this prediction has not been confirmed by published transcriptional studies. Algorithms developed to predict the effect of missense changes on protein structure and function are either unavailable or do not agree on the potential impact of this missense change (SIFT: "Deleterious"; PolyPhen-2: "Possibly Damaging"; Align-GVGD: "Class C0").